The following is an entry in ClinVar:

NM_000304.4(PMP22):c.79-2A>G

Gene: PMP22 (peripheral myelin protein 22; minus strand). Cytogenetic location: 17p12.
Variant type: single nucleotide variant.
Coding change: c.79-2A>G on transcript NM_000304.4 (MANE Select); the canonical splice acceptor site of the intron before coding-DNA position 79, A replaced by G.
Molecular consequence: splice acceptor variant.
Genome position (GRCh38, 1-based): chr17:15,259,195, T>C on the plus strand (A>G on the coding strand, the complement: PMP22 is on the minus strand). VCF-style: chr17-15259195-T-C. GRCh37 (hg19) VCF-style: chr17-15162512-T-C.
Other names: c.79-2A>G (NM_001281456.2, NM_153321.3, NM_001281455.2 and 2 more transcripts).
Identifiers: ClinVar variation 637371 (VCV000637371.2), dbSNP rs1597633171, ClinGen allele CA398271225.

ClinVar aggregate classification (germline): Pathogenic. Review status: criteria provided, single submitter (1 of 4 stars). 2 submissions from 2 submitters: Pathogenic (1). 1 of the submissions does not count toward it. Last evaluated 2019-10-30.

Conditions:
Charcot-Marie-Tooth disease. Also called: Charcot-Marie-Tooth Hereditary Neuropathy; Charcot-Marie-Tooth Neuropathy. Identifiers: Orphanet 166, MedGen C0007959, MONDO:0015626.

Submissions (2):

Athena Diagnostics
Classification: Pathogenic. Last evaluated: 2019-10-30. Review status: criteria provided, single submitter. Criteria: Athena Diagnostics Criteria. Collection method: clinical testing. Allele origin: unknown.
Comment: The variant disrupts a canonical splice site, and is therefore predicted to result in the loss of a functional protein. Found in at least one patient with expected phenotype for this gene, and not found in general population data.

Inherited Neuropathy Consortium
Classification: Uncertain significance for Charcot-Marie-Tooth disease. Review status: no assertion criteria provided. Collection method: literature only. Allele origin: germline. Affected: yes. Not counted in ClinVar's aggregate classification.

Literature cited by the submitters: PubMed 22382358 (cited by Athena Diagnostics and Inherited Neuropathy Consortium); PubMed 26110377 (cited by Athena Diagnostics).